The following is an entry in ClinVar:

NM_001276345.2(TNNT2):c.48G>T (p.Gln16His)

Gene: TNNT2 (troponin T2, cardiac type; minus strand). Cytogenetic location: 1q32.1.
Variant type: single nucleotide variant.
Coding change: c.48G>T on transcript NM_001276345.2 (MANE Select); coding-DNA position 48, G replaced by T.
Protein change: p.Gln16His; replaces glutamine 16 with histidine.
Molecular consequence: missense variant.
Genome position (GRCh38, 1-based): chr1:201,372,149, C>A on the plus strand (G>T on the coding strand, the complement: TNNT2 is on the minus strand). VCF-style: chr1-201372149-C-A. GRCh37 (hg19) VCF-style: chr1-201341277-C-A.
Other names: c.48G>T, p.Gln16His (NM_000364.4, NM_001001430.3, NM_001001431.3 and 9 more transcripts); short protein forms Q16H.
Identifiers: ClinVar variation 3073202 (VCV003073202.1), dbSNP rs2527140007, ClinGen allele CA344208388.

ClinVar aggregate classification (germline): Uncertain significance (1 of 4 stars; one submission).

Conditions:
Cardiomyopathy (CMYO). Also called: Cardiomyopathies. Identifiers: Orphanet 167848, MedGen C0878544, MONDO:0004994, HP:0001638. Inheritance: Various modes of inheritance.

Submission:

All of Us Research Program, National Institutes of Health
Classification: Uncertain significance for Cardiomyopathy. Last evaluated: 2023-08-28. Review status: criteria provided, single submitter. Criteria: ACMG Guidelines, 2015. Collection method: clinical testing. Allele origin: germline. Inheritance: Autosomal dominant inheritance. Observed: 1 variant allele, 1 heterozygote.
Comment: This missense variant replaces glutamine with histidine at codon 16 of the TNNT2 protein. Computational prediction suggests that this variant may not impact protein structure and function (internally defined REVEL score threshold <= 0.5, PMID: 27666373). To our knowledge, functional studies have not been reported for this variant. This variant has not been reported in individuals affected with TNNT2-related disorders in the literature. This variant has not been identified in the general population by the Genome Aggregation Database (gnomAD). The available evidence is insufficient to determine the role of this variant in disease conclusively. Therefore, this variant is classified as a Variant of Uncertain Significance.

This study involves interpretation of variants in research participants for the purpose of population health screening. Participant phenotype was not available at the time of variant classification. Additional details can be found in publication PMID: 35346344, PMCID: PMC8962531